The following is an entry in ClinVar:

NM_032620.4(GTPBP3):c.521_527del (p.Arg174fs)

Gene: GTPBP3 (GTP binding protein 3, mitochondrial; plus strand). Cytogenetic location: 19p13.11.
Variant type: Deletion.
Coding change: c.521_527del on transcript NM_032620.4 (MANE Select); coding-DNA positions 521 to 527, 7 bases deleted (GGCAGGC; older notation c.521_527delGGCAGGC).
Protein change: p.Arg174fs; shifts the reading frame from arginine 174.
Molecular consequence: frameshift variant.
Genome position (GRCh38, 1-based): chr19:17,338,671-17,338,677, GGCAGGC deleted; deleting any 7 consecutive bases within chr19:17,338,668-17,338,677 gives the same sequence; the c. name uses the placement nearest the transcript's 3' end. VCF-style (leftmost placement, unchanged base first): chr19-17338667-CGGCGGCA-C. GRCh37 (hg19) VCF-style: chr19-17449476-CGGCGGCA-C.
Other names: c.521_527del, p.Arg174fs (NM_001128855.3, NM_133644.4); c.587_593del, p.Arg196fs (NM_001195422.1); short protein forms R174fs, R196fs.
Identifiers: ClinVar variation 1075628 (VCV001075628.7), dbSNP rs2145701171, ClinGen allele CA2499225418.

ClinVar aggregate classification (germline): Pathogenic (1 of 4 stars; one submission).

Submission:

Labcorp Genetics (formerly Invitae), Labcorp
Classification: Pathogenic. Last evaluated: 2017-11-09. Review status: criteria provided, single submitter. Criteria: Invitae Variant Classification Sherloc (09022015). Collection method: clinical testing. Allele origin: germline.
Comment: Loss-of-function variants in GTPBP3 are known to be pathogenic (PMID: 25434004). For these reasons, this variant has been classified as Pathogenic. This variant has not been reported in the literature in individuals with GTPBP3-related disease. This variant is not present in population databases (ExAC no frequency). This sequence change creates a premature translational stop signal (p.Arg174Profs*109) in the GTPBP3 gene. It is expected to result in an absent or disrupted protein product.

Literature cited by the submitters: PubMed 25434004.